The following is an entry in ClinVar:

NM_025077.4(TOE1):c.912G>A (p.Ser304=)

Gene: TOE1 (target of EGR1, exonuclease; plus strand). Cytogenetic location: 1p34.1.
Variant type: single nucleotide variant.
Coding change: c.912G>A on transcript NM_025077.4 (MANE Select); coding-DNA position 912, G replaced by A.
Protein change: p.Ser304=; no amino-acid change (serine 304 retained).
Molecular consequence: synonymous variant.
Genome position (GRCh38, 1-based): chr1:45,343,002, G>A. VCF-style: chr1-45343002-G-A. GRCh37 (hg19) VCF-style: chr1-45808674-G-A.
Identifiers: ClinVar variation 1904844 (VCV001904844.5), dbSNP rs183476477, ClinGen allele CA826710.
Genomic context (GRCh38, chr1:45,343,002, plus strand): 5'-CTGCTGCCTGCCCCCAGCAACCCACCGTCCTCATCCCACCAGCATCTGTGACAACTTCTC[G>A]GTGAGAGCACCCACCTGTTTCTTGGGAGGGAAGGTTCTGATGCCTGGAGCCTCTTTCTAA-3'
Protein context (NP_079353.3, residues 294-314): PHPTSICDNF[Ser304=]AYGWCPLGPQ

ClinVar aggregate classification (germline): Uncertain significance (1 of 4 stars; one submission).

Allele frequency attached by ClinVar (database versions not stated): ExAC 0.00002; gnomAD 0.00002; gnomAD exomes 0.00002; 1000 Genomes Project 30x 0.00016; 1000 Genomes Project 0.00020.
gnomAD v4.1: 31 of 1,613,684 alleles (0.0019%); highest among the groups gnomAD compares: East Asian, 0.0045%; no homozygotes.

Submission:

Labcorp Genetics (formerly Invitae), Labcorp
Classification: Uncertain significance. Last evaluated: 2022-06-14. Review status: criteria provided, single submitter. Criteria: Invitae Variant Classification Sherloc (09022015). Collection method: clinical testing. Allele origin: germline.
Comment: This sequence change affects codon 304 of the TOE1 mRNA. It is a 'silent' change, meaning that it does not change the encoded amino acid sequence of the TOE1 protein. This variant also falls at the last nucleotide of exon 7, which is part of the consensus splice site for this exon. This variant is present in population databases (rs183476477, gnomAD 0.005%). In summary, the available evidence is currently insufficient to determine the role of this variant in disease. Therefore, it has been classified as a Variant of Uncertain Significance. Variants that disrupt the consensus splice site are a relatively common cause of aberrant splicing (PMID: 17576681, 9536098). Algorithms developed to predict the effect of sequence changes on RNA splicing suggest that this variant may disrupt the consensus splice site. This variant has not been reported in the literature in individuals affected with TOE1-related conditions.

Literature cited by the submitters: PubMed 17576681; PubMed 9536098.